The following is an entry in ClinVar:

NM_001012720.2(RGR):c.143G>A (p.Arg48Gln)

Gene: RGR (retinal G protein coupled receptor; plus strand). Cytogenetic location: 10q23.1.
Variant type: single nucleotide variant.
Coding change: c.143G>A on transcript NM_001012720.2 (MANE Select); coding-DNA position 143, G replaced by A.
Protein change: p.Arg48Gln; replaces arginine 48 with glutamine.
Molecular consequence: missense variant.
Genome position (GRCh38, 1-based): chr10:84,247,654, G>A. VCF-style: chr10-84247654-G-A. GRCh37 (hg19) VCF-style: chr10-86007410-G-A.
Other names: c.143G>A, p.Arg48Gln (NM_001012722.2, NM_002921.4); short protein forms R48Q.
Identifiers: ClinVar variation 1423229 (VCV001423229.7), dbSNP rs374080340, ClinGen allele CA5581315.
Genomic context (GRCh38, chr10:84,247,654, plus strand): 5'-TCTCCGGTCTCAGCCTCAATACCCTGACCATCTTCTCTTTCTGCAAGACCCCGGAGCTGC[G>A]GACTCCCTGCCACCTACTGGTGCTGAGCTTGGCTCTTGCGGACAGTGGGATCAGCCTGAA-3'
Protein context (NP_001012738.1, residues 38-58): IFSFCKTPEL[Arg48Gln]TPCHLLVLSL

ClinVar aggregate classification (germline): Uncertain significance. Review status: criteria provided, multiple submitters, no conflicts (2 of 4 stars). 2 submissions from 2 submitters: Uncertain significance (2). Last evaluated 2024-08-12.

Allele frequency attached by ClinVar (database versions not stated): gnomAD 0.00002 and 0.00003; TOPMed 0.00003; gnomAD exomes 0.00005 and 0.00007; ExAC 0.00007; ESP Exome Variant Server 0.00008.
gnomAD v4.1: 73 of 1,613,956 alleles (0.0045%); highest among the groups gnomAD compares: South Asian, 0.047%; 1 homozygote.

Submissions (2):

Blueprint Genetics
Classification: Uncertain significance. Last evaluated: 2024-08-12. Review status: criteria provided, single submitter. Criteria: ACMG Guidelines, 2015. Collection method: clinical testing. Allele origin: germline.

Labcorp Genetics (formerly Invitae), Labcorp
Classification: Uncertain significance. Last evaluated: 2024-05-20. Review status: criteria provided, single submitter. Criteria: Invitae Variant Classification Sherloc (09022015). Collection method: clinical testing. Allele origin: germline.
Comment: This sequence change replaces arginine, which is basic and polar, with glutamine, which is neutral and polar, at codon 48 of the RGR protein (p.Arg48Gln). This variant is present in population databases (rs374080340, gnomAD 0.04%). This variant has not been reported in the literature in individuals affected with RGR-related conditions. ClinVar contains an entry for this variant (Variation ID: 1423229). Experimental studies and prediction algorithms are not available or were not evaluated, and the functional significance of this variant is currently unknown. In summary, the available evidence is currently insufficient to determine the role of this variant in disease. Therefore, it has been classified as a Variant of Uncertain Significance.